The following is an entry in ClinVar:

NM_004281.4(BAG3):c.460G>A (p.Val154Met)

Gene: BAG3 (BAG cochaperone 3; plus strand). Cytogenetic location: 10q26.11.
Variant type: single nucleotide variant.
Coding change: c.460G>A on transcript NM_004281.4 (MANE Select); coding-DNA position 460, G replaced by A.
Protein change: p.Val154Met; replaces valine 154 with methionine.
Molecular consequence: missense variant.
Genome position (GRCh38, 1-based): chr10:119,670,130, G>A. VCF-style: chr10-119670130-G-A. GRCh37 (hg19) VCF-style: chr10-121429642-G-A.
Other names: short protein forms V154M.
Identifiers: ClinVar variation 389437 (VCV000389437.7), dbSNP rs376198104, ClinGen allele CA5716322.

ClinVar aggregate classification (germline): Conflicting classifications of pathogenicity. Review status: criteria provided, conflicting classifications (1 of 4 stars). 3 submissions from 3 submitters: Uncertain significance (1); Likely benign (2). Last evaluated 2025-11-12.

Conditions:
Cardiovascular phenotype. Identifiers: MedGen CN230736.
Myofibrillar myopathy 6. Identifiers: Orphanet 199340, MedGen C2751831, MONDO:0013061, OMIM 612954.
Dilated cardiomyopathy 1HH (CMD1HH). Identifiers: Orphanet 154, MedGen C3151293, MONDO:0013479, OMIM 613881.

Allele frequency attached by ClinVar (database versions not stated): ExAC 0.00007; 1000 Genomes Project 30x 0.00016; 1000 Genomes Project 0.00020.
gnomAD v4.1: 37 of 1,612,858 alleles (0.0023%); highest among the groups gnomAD compares: South Asian, 0.041%; no homozygotes.

Submissions (3):

Labcorp Genetics (formerly Invitae), Labcorp
Classification: Likely benign for Dilated cardiomyopathy 1HH; Myofibrillar myopathy 6. Last evaluated: 2025-11-12. Review status: criteria provided, single submitter. Criteria: Invitae Variant Classification Sherloc (09022015). Collection method: clinical testing. Allele origin: germline.

Ambry Genetics
Classification: Uncertain significance for Cardiovascular phenotype. Last evaluated: 2025-09-05. Review status: criteria provided, single submitter. Criteria: Ambry Variant Classification Scheme 2023. Collection method: clinical testing. Allele origin: germline.
Comment: The p.V154M variant (also known as c.460G>A), located in coding exon 2 of the BAG3 gene, results from a G to A substitution at nucleotide position 460. The valine at codon 154 is replaced by methionine, an amino acid with highly similar properties. This amino acid position is poorly conserved in available vertebrate species. In addition, this alteration is predicted to be tolerated by in silico analysis. Based on the available evidence, the clinical significance of this variant remains unclear.

GeneDx
Classification: Likely benign. Last evaluated: 2019-04-05. Review status: criteria provided, single submitter. Criteria: GeneDx Variant Classification Process June 2021. Collection method: clinical testing. Allele origin: germline. Affected: yes.